The following is an entry in ClinVar:

NM_001110556.2(FLNA):c.4970G>A (p.Gly1657Asp)

Gene: FLNA (filamin A; minus strand). Cytogenetic location: Xq28.
Variant type: single nucleotide variant.
Coding change: c.4970G>A on transcript NM_001110556.2 (MANE Select); coding-DNA position 4970, G replaced by A.
Protein change: p.Gly1657Asp; replaces glycine 1657 with aspartic acid.
Molecular consequence: missense variant.
Genome position (GRCh38, 1-based): chrX:154,355,072, C>T on the plus strand (G>A on the coding strand, the complement: FLNA is on the minus strand). VCF-style: chrX-154355072-C-T. GRCh37 (hg19) VCF-style: chrX-153583440-C-T.
Other names: c.4946G>A, p.Gly1649Asp (NM_001456.4); short protein forms G1649D, G1657D.
Identifiers: ClinVar variation 1254673 (VCV001254673.3), dbSNP rs1557176662, ClinGen allele CA415208629.

ClinVar aggregate classification (germline): Uncertain significance. Review status: criteria provided, multiple submitters, no conflicts (2 of 4 stars). 2 submissions from 2 submitters: Uncertain significance (2). Last evaluated 2025-03-20.

Conditions:
Melnick-Needles syndrome (MNS). Also called: MELNICK-NEEDLES OSTEODYSPLASTY; OSTEODYSPLASTY OF MELNICK AND NEEDLES; Melnick-Needles Syndrome (FLNA-MNS). Identifiers: Orphanet 2484, MedGen C0025237, MONDO:0010650, OMIM 309350.
Frontometaphyseal dysplasia (FMD1). Identifiers: MONDO:0015942, Orphanet 1826, MedGen C0265293.
Oto-palato-digital syndrome, type II (OPD2). Also called: Otopalatodigital Syndrome, Type II; FACIOPALATOOSSEOUS SYNDROME; OPD II SYNDROME; Otopalatodigital Syndrome Type 2 (FLNA-OPD2). Identifiers: Orphanet 669, Orphanet 90652, MedGen C1844696, MONDO:0010571, OMIM 304120.
Heterotopia, periventricular, X-linked dominant (PVNH1). Also called: X-linked periventricular heterotopia; PERIVENTRICULAR NODULAR HETEROTOPIA 4; HETEROTOPIA, PERIVENTRICULAR, 1; PERIVENTRICULAR NODULAR HETEROTOPIA 1. Identifiers: Orphanet 2149, Orphanet 82004, MedGen C1848213, MONDO:0010233, OMIM 300049.

Allele frequency attached by ClinVar (database versions not stated): gnomAD exomes below 0.00001 and 0.00001.
gnomAD v4.1: 3 of 1,204,049 alleles (0.00025%); highest among the groups gnomAD compares: Non-Finnish European, 0.00022%; no homozygotes.

Submissions (2):

Labcorp Genetics (formerly Invitae), Labcorp
Classification: Uncertain significance for Oto-palato-digital syndrome, type II; Heterotopia, periventricular, X-linked dominant; Frontometaphyseal dysplasia; Melnick-Needles syndrome. Last evaluated: 2025-03-20. Review status: criteria provided, single submitter. Criteria: Invitae Variant Classification Sherloc (09022015). Collection method: clinical testing. Allele origin: germline.
Comment: This sequence change replaces glycine, which is neutral and non-polar, with aspartic acid, which is acidic and polar, at codon 1649 of the FLNA protein (p.Gly1649Asp). This variant is present in population databases (no rsID available, gnomAD 0.001%). This variant has not been reported in the literature in individuals affected with FLNA-related conditions. ClinVar contains an entry for this variant (Variation ID: 1254673). An algorithm developed to predict the effect of missense changes on protein structure and function (PolyPhen-2) suggests that this variant is likely to be disruptive. In summary, the available evidence is currently insufficient to determine the role of this variant in disease. Therefore, it has been classified as a Variant of Uncertain Significance.

GeneDx
Classification: Uncertain significance. Last evaluated: 2021-07-21. Review status: criteria provided, single submitter. Criteria: GeneDx Variant Classification Process June 2021. Collection method: clinical testing. Allele origin: germline. Affected: yes.
Comment: In silico analysis supports that this missense variant has a deleterious effect on protein structure/function; Has not been previously published as pathogenic or benign to our knowledge